The following is an entry in ClinVar:

NM_024757.5(EHMT1):c.670G>A (p.Val224Ile)

Gene: EHMT1 (euchromatic histone lysine methyltransferase 1; plus strand). Cytogenetic location: 9q34.3.
Variant type: single nucleotide variant.
Coding change: c.670G>A on transcript NM_024757.5 (MANE Select); coding-DNA position 670, G replaced by A.
Protein change: p.Val224Ile; replaces valine 224 with isoleucine.
Molecular consequence: missense variant.
Genome position (GRCh38, 1-based): chr9:137,728,376, G>A. VCF-style: chr9-137728376-G-A. GRCh37 (hg19) VCF-style: chr9-140622828-G-A.
Other names: c.670G>A, p.Val224Ile (NM_001145527.2, NM_001354263.2, NM_001354611.2); c.577G>A, p.Val193Ile (NM_001354259.2, NM_001354612.2); short protein forms V193I, V224I.
Identifiers: ClinVar variation 931211 (VCV000931211.5), dbSNP rs1288948653, ClinGen allele CA375771712.

ClinVar aggregate classification (germline): Conflicting classifications of pathogenicity. Review status: criteria provided, conflicting classifications (1 of 4 stars). 2 submissions from 2 submitters: Uncertain significance (1); Likely benign (1). Last evaluated 2024-11-07.

Conditions:
Kleefstra syndrome 1 (KLEFS1). Identifiers: Orphanet 261494, MedGen C0795833, MONDO:0027407, OMIM 610253.

Allele frequency attached by ClinVar (database versions not stated): TOPMed below 0.00001; gnomAD 0.00001; gnomAD exomes below 0.00001.
gnomAD v4.1: 2 of 1,614,110 alleles (0.00012%); highest among the groups gnomAD compares: Non-Finnish European, 0.00017%; no homozygotes.

Submissions (2):

Labcorp Genetics (formerly Invitae), Labcorp
Classification: Uncertain significance for Kleefstra syndrome 1. Last evaluated: 2024-11-07. Review status: criteria provided, single submitter. Criteria: Invitae Variant Classification Sherloc (09022015). Collection method: clinical testing. Allele origin: germline.
Comment: This sequence change replaces valine, which is neutral and non-polar, with isoleucine, which is neutral and non-polar, at codon 224 of the EHMT1 protein (p.Val224Ile). This variant is present in population databases (no rsID available, gnomAD 0.007%). This variant has not been reported in the literature in individuals affected with EHMT1-related conditions. ClinVar contains an entry for this variant (Variation ID: 931211). Invitae Evidence Modeling of protein sequence and biophysical properties (such as structural, functional, and spatial information, amino acid conservation, physicochemical variation, residue mobility, and thermodynamic stability) indicates that this missense variant is not expected to disrupt EHMT1 protein function with a negative predictive value of 80%. In summary, the available evidence is currently insufficient to determine the role of this variant in disease. Therefore, it has been classified as a Variant of Uncertain Significance.

Centre for Mendelian Genomics, University Medical Centre Ljubljana
Classification: Likely benign for Kleefstra syndrome 1. Last evaluated: 2018-10-25. Review status: criteria provided, single submitter. Criteria: ACMG Guidelines, 2015. Collection method: clinical testing. Allele origin: unknown. Affected: yes.
Comment: This variant was classified as: Likely benign. The following ACMG criteria were applied in classifying this variant: PM2,BP1,BS2.